The following is an entry in ClinVar:

ClinVar aggregate classification (germline): Uncertain significance (1 of 4 stars; one submission).

gnomAD v4.1: 3 of 1,611,454 alleles (0.00019%); highest among the groups gnomAD compares: East Asian, 0.0022%; no homozygotes.

Submission:

Labcorp Genetics (formerly Invitae), Labcorp
Classification: Uncertain significance. Last evaluated: 2024-06-25. Review status: criteria provided, single submitter. Criteria: Invitae Variant Classification Sherloc (09022015). Collection method: clinical testing. Allele origin: germline.
Comment: This sequence change replaces arginine, which is basic and polar, with isoleucine, which is neutral and non-polar, at codon 432 of the DIAPH3 protein (p.Arg432Ile). This variant is not present in population databases (gnomAD no frequency). This variant has not been reported in the literature in individuals affected with DIAPH3-related conditions. An algorithm developed to predict the effect of missense changes on protein structure and function (PolyPhen-2) suggests that this variant is likely to be disruptive. In summary, the available evidence is currently insufficient to determine the role of this variant in disease. Therefore, it has been classified as a Variant of Uncertain Significance.

NM_001042517.2(DIAPH3):c.1295G>T (p.Arg432Ile)

Gene: DIAPH3 (diaphanous related formin 3; minus strand). Cytogenetic location: 13q21.2.
Variant type: single nucleotide variant.
Coding change: c.1295G>T on transcript NM_001042517.2 (MANE Select); coding-DNA position 1295, G replaced by T.
Protein change: p.Arg432Ile; replaces arginine 432 with isoleucine.
Molecular consequence: missense variant.
Genome position (GRCh38, 1-based): chr13:59,991,224, C>A on the plus strand (G>T on the coding strand, the complement: DIAPH3 is on the minus strand). VCF-style: chr13-59991224-C-A. GRCh37 (hg19) VCF-style: chr13-60565358-C-A.
Other names: c.1262G>T, p.Arg421Ile (NM_001258366.2); c.1157G>T, p.Arg386Ile (NM_001258367.2); c.1085G>T, p.Arg362Ile (NM_001258368.2); c.1295G>T, p.Arg432Ile (NM_001258369.2); c.506G>T, p.Arg169Ile (NM_001258370.2, NM_030932.4); short protein forms R169I, R362I, R386I, R421I, R432I.
Identifiers: ClinVar variation 3617057 (VCV003617057.2).
Genomic context (GRCh38, chr13:59,991,224, plus strand): 5'-AAATAATCATTTCGAATCAGCAAAAGATGCTGAAGAATAGAAATAAAATATCCCTCTGCT[C>A]TAGTTTCTTTAACTGTGCTCCACACCATGTTGTAAACATCATATGCTTCAGTGAGTTGAT-3'
Protein context (NP_001035982.1, residues 422-442): NMVWSTVKET[Arg432Ile]AEGYFISILQ